The following is an entry in ClinVar:

NM_001372.4(DNAH9):c.6556A>G (p.Thr2186Ala)

Gene: DNAH9 (dynein axonemal heavy chain 9; plus strand). Cytogenetic location: 17p12.
Variant type: single nucleotide variant.
Coding change: c.6556A>G on transcript NM_001372.4 (MANE Select); coding-DNA position 6556, A replaced by G.
Protein change: p.Thr2186Ala; replaces threonine 2186 with alanine.
Molecular consequence: missense variant.
Genome position (GRCh38, 1-based): chr17:11,747,712, A>G. VCF-style: chr17-11747712-A-G. GRCh37 (hg19) VCF-style: chr17-11651029-A-G.
Other names: short protein forms T2186A.
Identifiers: ClinVar variation 3347482 (VCV003347482.1).

ClinVar aggregate classification (germline): Uncertain significance (0 of 4 stars; one submission).

Conditions:
DNAH9-related disorder. Also called: DNAH9-related condition.

gnomAD v4.1: 2 of 1,614,194 alleles (0.00012%); highest among the groups gnomAD compares: Non-Finnish European, 0.00017%; no homozygotes.

Submission:

PreventionGenetics, part of Exact Sciences
Classification: Uncertain significance for DNAH9-related condition. Last evaluated: 2024-07-01. Review status: no assertion criteria provided. Collection method: clinical testing. Allele origin: germline.
Comment: The DNAH9 c.6556A>G variant is predicted to result in the amino acid substitution p.Thr2186Ala. To our knowledge, this variant has not been reported in the literature. This variant is reported in 0.0018% of alleles in individuals of European (Non-Finnish) descent in gnomAD. At this time, the clinical significance of this variant is uncertain due to the absence of conclusive functional and genetic evidence.